The following is an entry in ClinVar:

ClinVar aggregate classification (germline): Benign/Likely benign. Review status: criteria provided, multiple submitters, no conflicts (2 of 4 stars). 6 submissions from 6 submitters: Benign (3); Likely benign (2). 1 of the submissions does not count toward it. Last evaluated 2026-01-22.

Conditions:
CLPB-related disorder. Also called: CLPB-related condition.
3-methylglutaconic aciduria, type VIIB (MGCA7B). Also called: CLPB Deficiency; 3-methylglutaconic aciduria with cataracts, neurologic involvement and neutropenia; 3-methylglutaconic aciduria, type VII, with cataracts, neurologic involvement and neutropenia. Identifiers: Orphanet 445038, MedGen C5676893, MONDO:0014561, OMIM 616271.

Allele frequency attached by ClinVar (database versions not stated): gnomAD exomes 0.00030 and 0.00074; ExAC 0.00101; gnomAD 0.00306 and 0.00324; ESP Exome Variant Server 0.00331; 1000 Genomes Project 0.00339; TOPMed 0.00345; 1000 Genomes Project 30x 0.00359.
gnomAD v4.1: 907 of 1,614,144 alleles (0.056%); highest among the groups gnomAD compares: African/African-American, 1.1%; 6 homozygotes.

Submissions (6):

Labcorp Genetics (formerly Invitae), Labcorp
Classification: Benign for 3-methylglutaconic aciduria, type VIIB. Last evaluated: 2026-01-22. Review status: criteria provided, single submitter. Criteria: Invitae Variant Classification Sherloc (09022015). Collection method: clinical testing. Allele origin: germline.

CeGaT Center for Human Genetics Tuebingen
Classification: Likely benign. Last evaluated: 2025-05-01. Review status: criteria provided, single submitter. Criteria: CeGaT Center For Human Genetics Tuebingen Variant Classification Criteria Version 2. Collection method: clinical testing. Allele origin: germline. Affected: yes. Observed: 2 variant alleles.
Comment: CLPB: BP4, BS1

Blueprint Genetics
Classification: Likely benign. Last evaluated: 2024-10-11. Review status: criteria provided, single submitter. Criteria: ACMG Guidelines, 2015. Collection method: clinical testing. Allele origin: germline.

GeneDx
Classification: Benign. Last evaluated: 2018-03-27. Review status: criteria provided, single submitter. Criteria: GeneDx Variant Classification (06012015). Collection method: clinical testing. Allele origin: germline. Affected: yes.
Comment: This variant is considered likely benign or benign based on one or more of the following criteria: it is a conservative change, it occurs at a poorly conserved position in the protein, it is predicted to be benign by multiple in silico algorithms, and/or has population frequency not consistent with disease.

Breakthrough Genomics
Classification: Benign. Review status: criteria provided, single submitter. Criteria: ACMG Guidelines, 2015. Collection method: not provided. Allele origin: germline. Inheritance: Autosomal recessive inheritance. Affected: yes.

PreventionGenetics, part of Exact Sciences
Classification: Likely benign for CLPB-related condition. Last evaluated: 2020-02-07. Review status: no assertion criteria provided. Collection method: clinical testing. Allele origin: germline. Not counted in ClinVar's aggregate classification.
Comment: This variant is classified as likely benign based on ACMG/AMP sequence variant interpretation guidelines (Richards et al. 2015 PMID: 25741868, with internal and published modifications).

NM_001258392.3(CLPB):c.1993C>T (p.Arg665Trp)

Gene: CLPB (ClpB family mitochondrial disaggregase; minus strand). Cytogenetic location: 11q13.4.
Variant type: single nucleotide variant.
Coding change: c.1993C>T on transcript NM_001258392.3 (MANE Select); coding-DNA position 1993, C replaced by T.
Protein change: p.Arg665Trp; replaces arginine 665 with tryptophan.
Molecular consequence: missense variant.
Genome position (GRCh38, 1-based): chr11:72,293,408, G>A on the plus strand (C>T on the coding strand, the complement: CLPB is on the minus strand). VCF-style: chr11-72293408-G-A. GRCh37 (hg19) VCF-style: chr11-72004452-G-A.
Other names: c.1906C>T, p.Arg636Trp (NM_001258393.3); c.1948C>T, p.Arg650Trp (NM_001258394.3); c.2083C>T, p.Arg695Trp (NM_030813.6); short protein forms R695W, R665W, R650W, R636W.
Identifiers: ClinVar variation 542779 (VCV000542779.47), dbSNP rs141383303, ClinGen allele CA6170976.